The following is an entry in ClinVar:

ClinVar aggregate classification (germline): Uncertain significance (1 of 4 stars; one submission).

Conditions:
Hereditary cancer-predisposing syndrome. Also called: Neoplastic Syndromes, Hereditary; Tumor predisposition; Hereditary neoplastic syndrome; Hereditary Cancer Syndrome. Identifiers: Orphanet 140162, MedGen C0027672, MeSH D009386, MONDO:0015356.

gnomAD v4.1: 1 of 1,613,220 alleles (0.000062%); no homozygotes.

Submission:

Ambry Genetics
Classification: Uncertain significance for Hereditary cancer-predisposing syndrome. Last evaluated: 2026-06-16. Review status: criteria provided, single submitter. Criteria: Ambry Variant Classification Scheme 2023. Collection method: clinical testing. Allele origin: germline.
Comment: The p.R216T variant (also known as c.647G>C), located in coding exon 6 of the BRIP1 gene, results from a G to C substitution at nucleotide position 647. The arginine at codon 216 is replaced by threonine, an amino acid with similar properties. This amino acid position is conserved. In addition, this alteration is predicted to be tolerated by in silico analysis. Based on the available evidence, the clinical significance of this variant remains unclear.

NM_032043.3(BRIP1):c.647G>C (p.Arg216Thr)

Gene: BRIP1 (BRCA1 interacting DNA helicase 1; minus strand). Cytogenetic location: 17q23.2.
Variant type: single nucleotide variant.
Coding change: c.647G>C on transcript NM_032043.3 (MANE Select); coding-DNA position 647, G replaced by C.
Protein change: p.Arg216Thr; replaces arginine 216 with threonine.
Molecular consequence: missense variant.
Genome position (GRCh38, 1-based): chr17:61,808,738, C>G on the plus strand (G>C on the coding strand, the complement: BRIP1 is on the minus strand). VCF-style: chr17-61808738-C-G. GRCh37 (hg19) VCF-style: chr17-59886099-C-G.
Other names: short protein forms R216T.
Identifiers: ClinVar variation 5033384 (VCV005033384.1).